The following is an entry in ClinVar:

NM_000219.6(KCNE1):c.55G>A (p.Glu19Lys)

Gene: KCNE1 (potassium voltage-gated channel subfamily E regulatory subunit 1; minus strand). Cytogenetic location: 21q22.12.
Variant type: single nucleotide variant.
Coding change: c.55G>A on transcript NM_000219.6 (MANE Select); coding-DNA position 55, G replaced by A.
Protein change: p.Glu19Lys; replaces glutamic acid 19 with lysine.
Molecular consequence: missense variant.
Genome position (GRCh38, 1-based): chr21:34,449,580, C>T on the plus strand (G>A on the coding strand, the complement: KCNE1 is on the minus strand). VCF-style: chr21-34449580-C-T. GRCh37 (hg19) VCF-style: chr21-35821878-C-T.
Other names: c.55G>A, p.Glu19Lys (NM_001127668.4, NM_001127669.4, NM_001127670.4 and 4 more transcripts); short protein forms E19K.
Identifiers: ClinVar variation 3373921 (VCV003373921.2).

Conditions:
Long QT syndrome 5 (LQT5). Identifiers: Orphanet 101016, Orphanet 768, MedGen C1867904, MONDO:0013372, OMIM 613695.

Submission:

Roden Lab, Vanderbilt University Medical Center
No classification provided (evidence only). Condition: Long QT syndrome 5. Review status: no classification provided. Collection method: in vitro. Allele origin: not applicable. Functional consequence: Effect on ion channel function.
ClinVar note: "not provided" was previously submitted as the classification for the variant. However, the classification appeared to be based only on an observation of functional data so it was converted to no classification on 2025-07-30.